The following is an entry in ClinVar:

NM_002075.4(GNB3):c.385C>T (p.Arg129Cys)

Gene: GNB3 (G protein subunit beta 3; plus strand). Cytogenetic location: 12p13.31.
Variant type: single nucleotide variant.
Coding change: c.385C>T on transcript NM_002075.4 (MANE Select); coding-DNA position 385, C replaced by T.
Protein change: p.Arg129Cys; replaces arginine 129 with cysteine.
Molecular consequence: missense variant.
Genome position (GRCh38, 1-based): chr12:6,843,480, C>T. VCF-style: chr12-6843480-C-T. GRCh37 (hg19) VCF-style: chr12-6952644-C-T.
Other names: c.385C>T, p.Arg129Cys (NM_001297571.2); short protein forms R129C.
Identifiers: ClinVar variation 3623855 (VCV003623855.2).

ClinVar aggregate classification (germline): Uncertain significance (1 of 4 stars; one submission).

gnomAD v4.1: 24 of 1,614,000 alleles (0.0015%); highest among the groups gnomAD compares: Non-Finnish European, 0.0019%; no homozygotes.

Submission:

Labcorp Genetics (formerly Invitae), Labcorp
Classification: Uncertain significance. Last evaluated: 2024-05-14. Review status: criteria provided, single submitter. Criteria: Invitae Variant Classification Sherloc (09022015). Collection method: clinical testing. Allele origin: germline.
Comment: This sequence change replaces arginine, which is basic and polar, with cysteine, which is neutral and slightly polar, at codon 129 of the GNB3 protein (p.Arg129Cys). This variant is present in population databases (rs781880802, gnomAD 0.005%). This variant has not been reported in the literature in individuals affected with GNB3-related conditions. Advanced modeling of protein sequence and biophysical properties (such as structural, functional, and spatial information, amino acid conservation, physicochemical variation, residue mobility, and thermodynamic stability) performed at Invitae indicates that this missense variant is not expected to disrupt GNB3 protein function with a negative predictive value of 80%. In summary, the available evidence is currently insufficient to determine the role of this variant in disease. Therefore, it has been classified as a Variant of Uncertain Significance.